The following is an entry in ClinVar:

NM_000179.3(MSH6):c.1449_1462delinsAGC (p.Glu484fs)

Gene: MSH6 (mutS homolog 6; plus strand). Cytogenetic location: 2p16.3.
Variant type: Indel.
Coding change: c.1449_1462delinsAGC on transcript NM_000179.3 (MANE Select); coding-DNA positions 1449 to 1462, GGAACAGACTGAGA replaced by AGC.
Protein change: p.Glu484fs; shifts the reading frame from glutamic acid 484.
Molecular consequence: frameshift variant.
Genome position (GRCh38, 1-based): chr2:47,799,432-47,799,445, GGAACAGACTGAGA replaced by AGC. VCF-style: chr2-47799432-GGAACAGACTGAGA-AGC. GRCh37 (hg19) VCF-style: chr2-48026571-GGAACAGACTGAGA-AGC.
Other names: c.1059_1072delinsAGC, p.Glu354fs (NM_001281492.2); c.543_556delinsAGC, p.Glu182fs (NM_001281493.2, NM_001281494.2); short protein forms E182fs, E354fs, E484fs.
Identifiers: ClinVar variation 428323 (VCV000428323.10), dbSNP rs1114167715, ClinGen allele CA645369249.

ClinVar aggregate classification (germline): Pathogenic/Likely pathogenic. Review status: criteria provided, multiple submitters, no conflicts (2 of 4 stars). 4 submissions from 4 submitters: Pathogenic (3); Likely pathogenic (1). Last evaluated 2023-11-06.

Conditions:
Hereditary cancer-predisposing syndrome. Also called: Hereditary Cancer Syndrome; Neoplastic Syndromes, Hereditary; Hereditary neoplastic syndrome; Tumor predisposition. Identifiers: Orphanet 140162, MedGen C0027672, MeSH D009386, MONDO:0015356.
Lynch syndrome 5 (LYNCH5). Also called: Hereditary non-polyposis colorectal cancer, type 5; Colorectal cancer, hereditary nonpolyposis, type 5. Identifiers: Orphanet 144, MedGen C1833477, MONDO:0013710, OMIM 614350. Disease mechanism: loss of function.
Hereditary nonpolyposis colorectal neoplasms. Identifiers: MedGen C0009405, MeSH D003123.
Endometrial carcinoma. Also called: Endometrial carcinoma, somatic. Identifiers: MedGen C0476089, MONDO:0002447, OMIM 608089, HP:0012114.

Submissions (4):

Labcorp Genetics (formerly Invitae), Labcorp
Classification: Pathogenic for Hereditary nonpolyposis colorectal neoplasms. Last evaluated: 2023-11-06. Review status: criteria provided, single submitter. Criteria: Invitae Variant Classification Sherloc (09022015). Collection method: clinical testing. Allele origin: germline.
Comment: This sequence change creates a premature translational stop signal (p.Glu484Alafs*10) in the MSH6 gene. It is expected to result in an absent or disrupted protein product. Loss-of-function variants in MSH6 are known to be pathogenic (PMID: 18269114, 24362816). Information on the frequency of this variant in the gnomAD database is not available, as this variant may be reported differently in the database. This variant has not been reported in the literature in individuals affected with MSH6-related conditions. For these reasons, this variant has been classified as Pathogenic.

Myriad Genetics, Inc.
Classification: Pathogenic for Lynch syndrome 5. Last evaluated: 2023-08-14. Review status: criteria provided, single submitter. Criteria: Myriad Autosomal Dominant, Autosomal Recessive and X-Linked Classification Criteria (2023). Collection method: clinical testing. Allele origin: unknown.
Comment: This variant is considered pathogenic. This variant creates a frameshift predicted to result in premature protein truncation.

Baylor Genetics
Classification: Likely pathogenic for Endometrial carcinoma. Last evaluated: 2022-01-23. Review status: criteria provided, single submitter. Criteria: ACMG Guidelines, 2015. Collection method: clinical testing. Allele origin: unknown.

Ambry Genetics
Classification: Pathogenic for Hereditary cancer-predisposing syndrome. Last evaluated: 2018-08-01. Review status: criteria provided, single submitter. Criteria: Ambry Autosomal Dominant and X-Linked criteria (3/2017). Collection method: clinical testing. Allele origin: germline. Observed: 1 variant allele.
Comment: The c.1449_1462del14insAGC pathogenic mutation, located in coding exon 4 of the MSH6 gene, results from the deletion of 14 nucleotides and the insertion of 3 nucleotides causing a translational frameshift with a predicted alternate stop codon. This alteration is expected to result in loss of function by premature protein truncation or nonsense-mediated mRNA decay. As such, this alteration is interpreted as a disease-causing mutation.

Literature cited by the submitters: PubMed 18269114 (cited by Labcorp Genetics (formerly Invitae), Labcorp); PubMed 24362816 (cited by Labcorp Genetics (formerly Invitae), Labcorp).